The following is an entry in ClinVar:

ClinVar aggregate classification (germline): Conflicting classifications of pathogenicity. Review status: criteria provided, conflicting classifications (1 of 4 stars). 2 submissions from 2 submitters: Likely pathogenic (1); Uncertain significance (1). Last evaluated 2025-12-10.

Submissions (2):

Labcorp Genetics (formerly Invitae), Labcorp
Classification: Uncertain significance. Last evaluated: 2025-12-10. Review status: criteria provided, single submitter. Criteria: Invitae Variant Classification Sherloc (09022015). Collection method: clinical testing. Allele origin: germline.
Comment: This sequence change replaces arginine, which is basic and polar, with proline, which is neutral and non-polar, at codon 165 of the KRT10 protein (p.Arg165Pro). This variant is not present in population databases (gnomAD no frequency). This variant has not been reported in the literature in individuals affected with KRT10-related conditions. ClinVar contains an entry for this variant (Variation ID: 432167). Invitae Evidence Modeling of protein sequence and biophysical properties (such as structural, functional, and spatial information, amino acid conservation, physicochemical variation, residue mobility, and thermodynamic stability) indicates that this missense variant is expected to disrupt KRT10 protein function with a positive predictive value of 80%. In summary, the available evidence is currently insufficient to determine the role of this variant in disease. Therefore, it has been classified as a Variant of Uncertain Significance.

GeneDx
Classification: Likely pathogenic. Last evaluated: 2016-09-01. Review status: criteria provided, single submitter. Criteria: GeneDx Variant Classification (06012015). Collection method: clinical testing. Allele origin: germline. Affected: yes.
Comment: The R165P variant in the KRT10 gene has not been reported previously as a pathogenic variant, nor as a benign variant, to our knowledge. The R165P variant was not observed in approximately 6500 individuals of European and African American ancestry in the NHLBI Exome Sequencing Project, indicating it is not a common benign variant in these populations. The R165P variant is a non-conservative amino acid substitution, which is likely to impact secondary protein structure as these residues differ in polarity, charge, size and/or other properties. This substitution occurs in the 1A region of the helical rod domain of keratin 10 that is highly conserved across all species and among all members of the keratin family, albeit it is located at the distal boundary of the known mutation hotspot. Other pathogenic variants in patients with epidermolytic ichthyosis have been reported in nearby residues (p.Y160D, p.Y160N, p.Y160S, p.L161S) according to the Human Gene Mutation Database (Stenson et al., 2014). It is well established that keratin gene mutations affecting the residues at the ends of the central rod domains of the keratin proteins (helix initiation and termination motifs) interfere with proper keratin intermediate filament assembly and function, resulting in skin fragility and/or hyperkeratosis (Chamcheu et al., 2011). Therefore, R165P is likely pathogenic

NM_000421.5(KRT10):c.494G>C (p.Arg165Pro)

Genes: KRT10-AS1 (KRT10 antisense RNA 1; plus strand), KRT10 (keratin 10; minus strand). Cytogenetic location: 17q21.2.
Variant type: single nucleotide variant.
Coding change: c.494G>C on transcript NM_000421.5 (MANE Select); coding-DNA position 494, G replaced by C.
Protein change: p.Arg165Pro; replaces arginine 165 with proline.
Molecular consequence: missense variant.
Genome position (GRCh38, 1-based): chr17:40,822,092, C>G on the plus strand (G>C on the coding strand, the complement: KRT10 is on the minus strand). VCF-style: chr17-40822092-C-G. GRCh37 (hg19) VCF-style: chr17-38978344-C-G.
Other names: c.494G>C, p.Arg165Pro (NM_001379366.1); short protein forms R165P.
Identifiers: ClinVar variation 432167 (VCV000432167.3), dbSNP rs755924637, ClinGen allele CA399394661.
Genomic context (GRCh38, chr17:40,822,092, plus strand): 5'-TGCTTTTCATACCACTCCTTGATTTTGCCTTCCAGCTCATAGTTTGATTCTTCCAGAGCC[C>G]GAACTTTGTCCAAGTAGGAAGCCAGGCGGTCATTCAGATTCTGCATGGTTACTTTTTCAT-3'
Protein context (NP_000412.4, residues 155-175): DRLASYLDKV[Arg165Pro]ALEESNYELE